The following is an entry in ClinVar:

NM_006790.3(MYOT):c.67C>T (p.Pro23Ser)

Genes: PKD2L2-DT (PKD2L2 divergent transcript; minus strand), MYOT (myotilin; plus strand). Cytogenetic location: 5q31.2.
Variant type: single nucleotide variant.
Coding change: c.67C>T on transcript NM_006790.3 (MANE Select); coding-DNA position 67, C replaced by T.
Protein change: p.Pro23Ser; replaces proline 23 with serine.
Molecular consequence: missense variant. On other transcripts: intron variant (2).
Genome position (GRCh38, 1-based): chr5:137,870,718, C>T. VCF-style: chr5-137870718-C-T. GRCh37 (hg19) VCF-style: chr5-137206407-C-T.
Other names: c.-120-159C>T (NM_001300911.2); c.-197+193C>T (NM_001135940.2); short protein forms P23S.
Identifiers: ClinVar variation 596221 (VCV000596221.16), dbSNP rs751876756, ClinGen allele CA3422842.

ClinVar aggregate classification (germline): Uncertain significance. Review status: criteria provided, multiple submitters, no conflicts (2 of 4 stars). 2 submissions from 2 submitters: Uncertain significance (2). Last evaluated 2022-08-03.

Conditions:
Myofibrillar myopathy 3 (MFM3). Also called: Muscular dystrophy, proximal, type 1A; Autosomal dominant spheroid body myopathy. Identifiers: Orphanet 266, Orphanet 268129, MedGen C3714934, MONDO:0012215, OMIM 609200.

gnomAD v4.1: 3 of 1,614,254 alleles (0.00019%); highest among the groups gnomAD compares: Admixed American, 0.0017%; no homozygotes.

Submissions (2):

Labcorp Genetics (formerly Invitae), Labcorp
Classification: Uncertain significance for Myofibrillar myopathy 3. Last evaluated: 2022-08-03. Review status: criteria provided, single submitter. Criteria: Invitae Variant Classification Sherloc (09022015). Collection method: clinical testing. Allele origin: germline.
Comment: In summary, the available evidence is currently insufficient to determine the role of this variant in disease. Therefore, it has been classified as a Variant of Uncertain Significance. Algorithms developed to predict the effect of missense changes on protein structure and function (SIFT, PolyPhen-2, Align-GVGD) all suggest that this variant is likely to be tolerated. ClinVar contains an entry for this variant (Variation ID: 596221). This variant has not been reported in the literature in individuals affected with MYOT-related conditions. This variant is present in population databases (rs751876756, gnomAD 0.004%). This sequence change replaces proline, which is neutral and non-polar, with serine, which is neutral and polar, at codon 23 of the MYOT protein (p.Pro23Ser).

Eurofins Ntd Llc (ga)
Classification: Uncertain significance. Last evaluated: 2018-02-23. Review status: criteria provided, single submitter. Criteria: EGL ClinVar v180209 classification definitions. Collection method: clinical testing. Allele origin: germline. Observed: 1 variant allele, 1 heterozygote.